The following is an entry in ClinVar:

ClinVar aggregate classification (germline): Uncertain significance. Review status: criteria provided, multiple submitters, no conflicts (2 of 4 stars). 2 submissions from 2 submitters: Uncertain significance (2). Last evaluated 2024-05-27.

Conditions:
Age related macular degeneration 13. Identifiers: MedGen C3809523, MONDO:0014189, OMIM 615439.
Factor I deficiency (CFID). Also called: Complement factor I deficiency. Identifiers: Orphanet 200418, MedGen C3463916, MONDO:0012594, OMIM 610984.
Atypical hemolytic-uremic syndrome with I factor anomaly. Also called: HEMOLYTIC UREMIC SYNDROME, ATYPICAL, SUSCEPTIBILITY TO, 3; AHUS, SUSCEPTIBILITY TO, 3. Identifiers: Orphanet 2134, MedGen C2752039, MONDO:0013041, OMIM 612923.

Allele frequency attached by ClinVar (database versions not stated): gnomAD exomes below 0.00001 and 0.00001; ExAC 0.00002.
gnomAD v4.1: 3 of 1,613,918 alleles (0.00019%); highest among the groups gnomAD compares: Non-Finnish European, 0.00017%; no homozygotes.

Submissions (2):

Fulgent Genetics
Classification: Uncertain significance for Factor I deficiency; Atypical hemolytic-uremic syndrome with I factor anomaly; Age related macular degeneration 13. Last evaluated: 2024-05-27. Review status: criteria provided, single submitter. Criteria: ACMG Guidelines, 2015. Collection method: clinical testing. Allele origin: germline.

Labcorp Genetics (formerly Invitae), Labcorp
Classification: Uncertain significance. Last evaluated: 2022-02-05. Review status: criteria provided, single submitter. Criteria: Invitae Variant Classification Sherloc (09022015). Collection method: clinical testing. Allele origin: germline.
Comment: In summary, the available evidence is currently insufficient to determine the role of this variant in disease. Therefore, it has been classified as a Variant of Uncertain Significance. Advanced modeling of protein sequence and biophysical properties (such as structural, functional, and spatial information, amino acid conservation, physicochemical variation, residue mobility, and thermodynamic stability) performed at Invitae indicates that this missense variant is expected to disrupt CFI protein function. This variant has not been reported in the literature in individuals affected with CFI-related conditions. This variant is present in population databases (rs759023625, gnomAD 0.007%). This sequence change replaces alanine, which is neutral and non-polar, with valine, which is neutral and non-polar, at codon 378 of the CFI protein (p.Ala378Val).

NM_000204.5(CFI):c.1133C>T (p.Ala378Val)

Gene: CFI (complement factor I; minus strand). Cytogenetic location: 4q25.
Variant type: single nucleotide variant.
Coding change: c.1133C>T on transcript NM_000204.5 (MANE Select); coding-DNA position 1133, C replaced by T.
Protein change: p.Ala378Val; replaces alanine 378 with valine.
Molecular consequence: missense variant. On other transcripts: non-coding transcript variant (3).
Genome position (GRCh38, 1-based): chr4:109,749,233, G>A on the plus strand (C>T on the coding strand, the complement: CFI is on the minus strand). VCF-style: chr4-109749233-G-A. GRCh37 (hg19) VCF-style: chr4-110670389-G-A.
Other names: c.1157C>T, p.Ala386Val (NM_001318057.2, NM_001375278.1); c.1112C>T, p.Ala371Val (NM_001331035.2, NM_001375280.1, NM_001375282.1); c.1133C>T, p.Ala378Val (NM_001375279.1, NM_001375281.1); c.1076C>T, p.Ala359Val (NM_001375283.1); c.524C>T, p.Ala175Val (NM_001375284.1); short protein forms A378V, A175V, A371V, A359V, A386V.
Identifiers: ClinVar variation 1429966 (VCV001429966.9), dbSNP rs759023625, ClinGen allele CA3042007.
Genomic context (GRCh38, chr4:109,749,233, plus strand): 5'-TTCATTGTTTCGGGAAATCTAAAATTTACTGAAGACATCTTTTACCTGAGACAATGTGCA[G>A]CAGTCAGAATCCAACAGCCACCAATATAAATTCCCCCACAGGTGATTCCACTGGCATCCT-3'
Protein context (NP_000195.3, residues 368-388): IYIGGCWILT[Ala378Val]AHCLRASKTH